The following is an entry in ClinVar:

ClinVar aggregate classification (germline): Uncertain significance (1 of 4 stars; one submission).

Submission:

Women's Health and Genetics/Laboratory Corporation of America, LabCorp
Classification: Uncertain significance. Last evaluated: 2026-04-14. Review status: criteria provided, single submitter. Criteria: LabCorp Variant Classification Summary - May 2015. Collection method: clinical testing. Allele origin: germline.
Comment: Variant summary: KMT2C c.9580C>G (p.Gln3194Glu) results in a conservative amino acid change in the encoded protein sequence. Algorithms developed to predict the effect of missense changes on protein structure and function are either unavailable or do not agree on the potential impact of this missense change. The variant was absent in 251310 control chromosomes. The available data on variant occurrences in the general population are insufficient to allow any conclusion about variant significance. To our knowledge, no occurrence of c.9580C>G in individuals affected with KMT2C-related conditions and no experimental evidence demonstrating its impact on protein function have been reported. No submitters have cited clinical-significance assessments for this variant to ClinVar. Based on the evidence outlined above, the variant was classified as uncertain significance.

NM_170606.3(KMT2C):c.9580C>G (p.Gln3194Glu)

Gene: KMT2C (lysine methyltransferase 2C; minus strand). Cytogenetic location: 7q36.1.
Variant type: single nucleotide variant.
Coding change: c.9580C>G on transcript NM_170606.3 (MANE Select); coding-DNA position 9580, C replaced by G.
Protein change: p.Gln3194Glu; replaces glutamine 3194 with glutamic acid.
Molecular consequence: missense variant.
Genome position (GRCh38, 1-based): chr7:152,167,316, G>C on the plus strand (C>G on the coding strand, the complement: KMT2C is on the minus strand). VCF-style: chr7-152167316-G-C. GRCh37 (hg19) VCF-style: chr7-151864401-G-C.
Other names: short protein forms Q3194E.
Identifiers: ClinVar variation 4848573 (VCV004848573.1).